The following is an entry in ClinVar:

ClinVar aggregate classification (germline): Uncertain significance (1 of 4 stars; one submission).

Allele frequency attached by ClinVar (database versions not stated): gnomAD 0.00001.
gnomAD v4.1: 1 of 1,613,966 alleles (0.000062%); highest among the groups gnomAD compares: Admixed American, 0.0017%; no homozygotes.

Submission:

Labcorp Genetics (formerly Invitae), Labcorp
Classification: Uncertain significance. Last evaluated: 2023-04-04. Review status: criteria provided, single submitter. Criteria: Invitae Variant Classification Sherloc (09022015). Collection method: clinical testing. Allele origin: germline.
Comment: Advanced modeling of protein sequence and biophysical properties (such as structural, functional, and spatial information, amino acid conservation, physicochemical variation, residue mobility, and thermodynamic stability) performed at Invitae indicates that this missense variant is not expected to disrupt TCF12 protein function. In summary, the available evidence is currently insufficient to determine the role of this variant in disease. Therefore, it has been classified as a Variant of Uncertain Significance. This variant has not been reported in the literature in individuals affected with TCF12-related conditions. This sequence change replaces serine, which is neutral and polar, with proline, which is neutral and non-polar, at codon 486 of the TCF12 protein (p.Ser486Pro). This variant is not present in population databases (gnomAD no frequency).

NM_207037.2(TCF12):c.1456T>C (p.Ser486Pro)

Gene: TCF12 (transcription factor 12; plus strand). Cytogenetic location: 15q21.3.
Variant type: single nucleotide variant.
Coding change: c.1456T>C on transcript NM_207037.2 (MANE Select); coding-DNA position 1456, T replaced by C.
Protein change: p.Ser486Pro; replaces serine 486 with proline.
Molecular consequence: missense variant.
Genome position (GRCh38, 1-based): chr15:57,253,457, T>C. VCF-style: chr15-57253457-T-C. GRCh37 (hg19) VCF-style: chr15-57545655-T-C.
Other names: c.946T>C, p.Ser316Pro (NM_001306219.3); c.676T>C, p.Ser226Pro (NM_001306220.3); c.1456T>C, p.Ser486Pro (NM_001322151.2, NM_001322152.2, NM_001322159.3 and 2 more transcripts); c.799T>C, p.Ser267Pro (NM_001322154.2); c.1282T>C, p.Ser428Pro (NM_001322156.2); c.1384T>C, p.Ser462Pro (NM_001322157.3, NM_001322165.2, NM_003205.4 and 1 more transcripts); c.1210T>C, p.Ser404Pro (NM_001322158.2); c.1453T>C, p.Ser485Pro (NM_001322161.2); and 2 more; short protein forms S226P, S292P, S404P, S462P, S474P, S486P, S485P, S267P.
Identifiers: ClinVar variation 2780271 (VCV002780271.3), dbSNP rs2060210537, ClinGen allele CA392587634.